The following is an entry in ClinVar:

NC_000011.10:g.(?_64746639)_(64747378_?)del

Gene: PYGM (glycogen phosphorylase, muscle associated; minus strand). Cytogenetic location: 11q13.1.
Variant type: Deletion.
Identifiers: ClinVar variation 830703 (VCV000830703.7).

ClinVar aggregate classification (germline): Likely pathogenic (1 of 4 stars; one submission).

Conditions:
Glycogen storage disease, type V (GSD5). Also called: MCARDLE DISEASE; MUSCLE GLYCOGEN PHOSPHORYLASE DEFICIENCY; MYOPHOSPHORYLASE DEFICIENCY; PYGM DEFICIENCY; McArdle type glycogen storage disease. Identifiers: Orphanet 368, MedGen C0017924, MONDO:0009293, OMIM 232600.

Submission:

Labcorp Genetics (formerly Invitae), Labcorp
Classification: Likely pathogenic for Glycogen storage disease, type V. Last evaluated: 2019-06-29. Review status: criteria provided, single submitter. Criteria: Invitae Variant Classification Sherloc (09022015). Collection method: clinical testing. Allele origin: germline.
Comment: In summary, the currently available evidence indicates that the variant is pathogenic, but additional data are needed to prove that conclusively. Therefore, this variant has been classified as Likely Pathogenic. This variant disrupts the p.Trp798 amino acid residue in PYGM. Another variant that disrupt this residue have been determined to be pathogenic (PMID: 17630210, 17994553, 21802952, 17994553). This suggests that this residue is clinically significant, and that variants that disrupt this residue are likely to be disease-causing. This variant is a gross deletion of the genomic region encompassing exons 18-20 of the PYGM gene. The 5' boundary is likely confined to intron 17. The 3' end of this event is unknown as it extends through the termination codon beyond the assayed region for this gene and may encompass additional genes. While this deletion is not anticipated to result in nonsense mediated decay, it is expected to create a truncated protein product or disrupt mRNA translation.

Literature cited by the submitters: PubMed 17630210; PubMed 17994553; PubMed 21802952.